The following is an entry in ClinVar:

NM_005045.4(RELN):c.2450G>A (p.Ser817Asn)

Gene: RELN (reelin; minus strand). Cytogenetic location: 7q22.1.
Variant type: single nucleotide variant.
Coding change: c.2450G>A on transcript NM_005045.4 (MANE Select); coding-DNA position 2450, G replaced by A.
Protein change: p.Ser817Asn; replaces serine 817 with asparagine.
Molecular consequence: missense variant.
Genome position (GRCh38, 1-based): chr7:103,635,440, C>T on the plus strand (G>A on the coding strand, the complement: RELN is on the minus strand). VCF-style: chr7-103635440-C-T. GRCh37 (hg19) VCF-style: chr7-103275887-C-T.
Other names: c.2450G>A, p.Ser817Asn (NM_173054.3); short protein forms S817N.
Identifiers: ClinVar variation 3751282 (VCV003751282.2).

ClinVar aggregate classification (germline): Uncertain significance (1 of 4 stars; one submission).

Conditions:
Familial temporal lobe epilepsy 7. Identifiers: Orphanet 101046, MedGen C4225327, MONDO:0014639, OMIM 616436.
Norman-Roberts syndrome (LIS2). Also called: Lissencephaly 2 (Norman-Roberts type). Identifiers: Orphanet 89844, MedGen C0796089, MONDO:0009760, OMIM 257320.

gnomAD v4.1: 2 of 1,613,906 alleles (0.00012%); highest among the groups gnomAD compares: Non-Finnish European, 0.00017%; no homozygotes.

Submission:

Labcorp Genetics (formerly Invitae), Labcorp
Classification: Uncertain significance for Familial temporal lobe epilepsy 7; Norman-Roberts syndrome. Last evaluated: 2024-08-27. Review status: criteria provided, single submitter. Criteria: Invitae Variant Classification Sherloc (09022015). Collection method: clinical testing. Allele origin: germline.
Comment: This sequence change replaces serine, which is neutral and polar, with asparagine, which is neutral and polar, at codon 817 of the RELN protein (p.Ser817Asn). This variant is not present in population databases (gnomAD no frequency). This variant has not been reported in the literature in individuals affected with RELN-related conditions. Invitae Evidence Modeling of protein sequence and biophysical properties (such as structural, functional, and spatial information, amino acid conservation, physicochemical variation, residue mobility, and thermodynamic stability) indicates that this missense variant is not expected to disrupt RELN protein function with a negative predictive value of 80%. In summary, the available evidence is currently insufficient to determine the role of this variant in disease. Therefore, it has been classified as a Variant of Uncertain Significance.